The following is an entry in ClinVar:

NC_000006.11:g.(?_118869224)_(118880253_?)dup

Genes: CEP85L (centrosomal protein 85L; minus strand), PLN (phospholamban; plus strand). Cytogenetic location: 6q22.31.
Variant type: Duplication.
Identifiers: ClinVar variation 641547 (VCV000641547.2).

ClinVar aggregate classification (germline): Uncertain significance (1 of 4 stars; one submission).

Conditions:
Dilated cardiomyopathy 1P (CMD1P). Identifiers: Orphanet 154, MedGen C1835928, MONDO:0012362, OMIM 609909.

Submission:

Labcorp Genetics (formerly Invitae), Labcorp
Classification: Uncertain significance for Dilated cardiomyopathy 1P. Last evaluated: 2019-12-15. Review status: criteria provided, single submitter. Criteria: Invitae Variant Classification Sherloc (09022015). Collection method: clinical testing. Allele origin: germline.
Comment: This variant results in a copy number gain of the genomic region encompassing the full coding sequence of the PLN gene. The boundaries of this event are unknown as they extend beyond the assayed region for this gene and therefore may encompass additional genes. As the precise location of this event is unknown, it may be in tandem or it may be located elsewhere in the genome. Isolated whole-gene copy number gains of PLN have not been reported in the literature. However, larger copy number events that include this gene have been reported (PMID: 24451198). In summary, the available evidence is currently insufficient to determine the role of this variant in disease. Therefore, it has been classified as a Variant of Uncertain Significance.

Literature cited by the submitters: PubMed 24451198.